The following is an entry in ClinVar:

NC_000016.9:g.(?_2114253)_(2138611_?)dup

Gene: TSC2 (TSC complex subunit 2; plus strand). Cytogenetic location: 16p13.3.
Variant type: Duplication.
Identifiers: ClinVar variation 2423315 (VCV002423315.3).

ClinVar aggregate classification (germline): Uncertain significance (1 of 4 stars; one submission).

Conditions:
Tuberous sclerosis 2 (TSC2). Identifiers: Orphanet 805, MedGen C1860707, MONDO:0013199, OMIM 613254.

Submission:

Labcorp Genetics (formerly Invitae), Labcorp
Classification: Uncertain significance for Tuberous sclerosis 2. Last evaluated: 2021-02-25. Review status: criteria provided, single submitter. Criteria: Invitae Variant Classification Sherloc (09022015). Collection method: clinical testing. Allele origin: germline.
Comment: This variant results in a copy number gain of the genomic region encompassing exon(s) 15-42 of the TSC2 gene. The 5' boundary is likely confined to intron 14. The 3' end of this event is unknown as it extends beyond the assayed region for this gene and therefore may encompass additional genes. As the precise location of this event is unknown, it may be in tandem or it may be located elsewhere in the genome. This variant has not been reported in the literature in individuals with TSC2-related conditions. Experimental studies and prediction algorithms are not available or were not evaluated, and the functional significance of this variant is currently unknown. In summary, the available evidence is currently insufficient to determine the role of this variant in disease. Therefore, it has been classified as a Variant of Uncertain Significance.